The following is an entry in ClinVar:

NM_000271.5(NPC1):c.1947+13_1947+14insGGGGT

Gene: NPC1 (NPC intracellular cholesterol transporter 1; minus strand). Cytogenetic location: 18q11.2.
Variant type: Microsatellite.
Coding change: c.1947+13_1947+14insGGGGT on transcript NM_000271.5 (MANE Select); bases 13 to 14 of the intron after coding-DNA position 1947, GGGGT inserted.
Molecular consequence: intron variant.
Genome position: GRCh38 VCF-style: chr18-23544946-C-CCCCCA. GRCh37 (hg19) VCF-style: chr18-21124910-C-CCCCCA.
Other names: p.?; c.1947+13_1947+14insTGGGG (NM_000271.5).
Identifiers: ClinVar variation 1628499 (VCV001628499.11), dbSNP rs1555634642.

ClinVar aggregate classification (germline): Likely benign. Review status: criteria provided, multiple submitters, no conflicts (2 of 4 stars). 3 submissions from 3 submitters: Likely benign (3). Last evaluated 2026-01-05.

Conditions:
Niemann-Pick disease, type C1. Also called: NEUROVISCERAL STORAGE DISEASE WITH VERTICAL SUPRANUCLEAR OPHTHALMOPLEGIA; NIEMANN-PICK DISEASE WITH CHOLESTEROL ESTERIFICATION BLOCK; NIEMANN-PICK DISEASE WITHOUT SPHINGOMYELINASE DEFICIENCY; NIEMANN-PICK DISEASE, CHRONIC NEURONOPATHIC FORM; NIEMANN-PICK DISEASE, VARIANT TYPE C1. Identifiers: Orphanet 646, MedGen C3179455, MONDO:0009757, OMIM 257220.

Submissions (3):

Labcorp Genetics (formerly Invitae), Labcorp
Classification: Likely benign for Niemann-Pick disease, type C1. Last evaluated: 2026-01-05. Review status: criteria provided, single submitter. Criteria: Invitae Variant Classification Sherloc (09022015). Collection method: clinical testing. Allele origin: germline.

Mayo Clinic Laboratories, Mayo Clinic
Classification: Likely benign. Last evaluated: 2025-08-08. Review status: criteria provided, single submitter. Criteria: ACMG Guidelines, 2015. Collection method: clinical testing. Allele origin: germline. Observed: 1 variant allele.
Comment: BP4, BP7

Blueprint Genetics
Classification: Likely benign. Last evaluated: 2024-11-27. Review status: criteria provided, single submitter. Criteria: ACMG Guidelines, 2015. Collection method: clinical testing. Allele origin: germline.